The following is an entry in ClinVar:

ClinVar aggregate classification (germline): Likely benign (0 of 4 stars; one submission).

Conditions:
GALC-related disorder. Also called: GALC-related condition.

Allele frequency attached by ClinVar (database versions not stated): gnomAD 0.00001; TOPMed 0.00001.
gnomAD v4.1: 6 of 1,504,102 alleles (0.0004%); highest among the groups gnomAD compares: Admixed American, 0.0082%; no homozygotes.

Submission:

PreventionGenetics, part of Exact Sciences
Classification: Likely benign for GALC-related condition. Last evaluated: 2022-03-28. Review status: no assertion criteria provided. Collection method: clinical testing. Allele origin: germline.
Comment: This variant is classified as likely benign based on ACMG/AMP sequence variant interpretation guidelines (Richards et al. 2015 PMID: 25741868, with internal and published modifications).

NM_000153.4(GALC):c.195+25G>A

Genes: GALC (galactosylceramidase; minus strand), LOC130056217 (ATAC-STARR-seq lymphoblastoid silent region 5988; plus strand). Cytogenetic location: 14q31.3.
Variant type: single nucleotide variant.
Coding change: c.195+25G>A on transcript NM_000153.4 (MANE Select); 25 bases into the intron after coding-DNA position 195, G replaced by A.
Molecular consequence: intron variant.
Genome position (GRCh38, 1-based): chr14:87,992,945, C>T on the plus strand (G>A on the coding strand, the complement: GALC is on the minus strand). VCF-style: chr14-87992945-C-T. GRCh37 (hg19) VCF-style: chr14-88459289-C-T.
Other names: c.-473+438G>A (NM_001424076.1); c.117+438G>A (NM_001201402.2); c.195+25G>A (NM_001201401.2); c.-473+25G>A (NM_001424077.1); c.-242+25G>A (NM_001424075.1); c.-76+25G>A (NM_001424072.1).
Identifiers: ClinVar variation 3030921 (VCV003030921.2), dbSNP rs1196417155, ClinGen allele CA615657770.